The following is an entry in ClinVar:

ClinVar aggregate classification (germline): Uncertain significance (1 of 4 stars; one submission).

Allele frequency attached by ClinVar (database versions not stated): gnomAD 0.00001; TOPMed 0.00001.
gnomAD v4.1: 6 of 1,536,876 alleles (0.00039%); highest among the groups gnomAD compares: Non-Finnish European, 0.00052%; no homozygotes.

Submission:

Labcorp Genetics (formerly Invitae), Labcorp
Classification: Uncertain significance. Last evaluated: 2023-10-19. Review status: criteria provided, single submitter. Criteria: Invitae Variant Classification Sherloc (09022015). Collection method: clinical testing. Allele origin: germline.
Comment: This sequence change replaces valine, which is neutral and non-polar, with phenylalanine, which is neutral and non-polar, at codon 13 of the TMED7 protein (p.Val13Phe). This variant is present in population databases (no rsID available, gnomAD 0.007%). This variant has not been reported in the literature in individuals affected with TMED7-related conditions. An algorithm developed to predict the effect of missense changes on protein structure and function (PolyPhen-2) suggests that this variant is likely to be tolerated. In summary, the available evidence is currently insufficient to determine the role of this variant in disease. Therefore, it has been classified as a Variant of Uncertain Significance.

NM_181836.6(TMED7):c.37G>T (p.Val13Phe)

Genes: TMED7 (transmembrane p24 trafficking protein 7; minus strand), TMED7-TICAM2 (TMED7-TICAM2 readthrough; minus strand), LOC129994401 (ATAC-STARR-seq lymphoblastoid silent region 16254; plus strand). Cytogenetic location: 5q22.3.
Variant type: single nucleotide variant.
Coding change: c.37G>T on transcript NM_181836.6 (MANE Select); coding-DNA position 37, G replaced by T.
Protein change: p.Val13Phe; replaces valine 13 with phenylalanine.
Molecular consequence: missense variant.
Genome position (GRCh38, 1-based): chr5:115,625,756, C>A on the plus strand (G>T on the coding strand, the complement: TMED7 is on the minus strand). VCF-style: chr5-115625756-C-A. GRCh37 (hg19) VCF-style: chr5-114961453-C-A.
Other names: c.37G>T, p.Val13Phe (NM_001164468.4, NM_001164469.4); short protein forms V13F.
Identifiers: ClinVar variation 2993265 (VCV002993265.3), dbSNP rs1052256383, ClinGen allele CA125800550.
Genomic context (GRCh38, chr5:115,625,756, plus strand): 5'-CGCCGGGTCCAGGCACCAGTAGCAGCAGTGCGAGCAGCCTGCACCCCCAACGGCCCGCGA[C>A]GGCCGCCCAGCGCTGCGCGGACCCCGGCCGCGGCATCCCGAGAAGGCGGCGGCGGCCTCA-3'
Protein context (NP_861974.1, residues 3-23): RPGSAQRWAA[Val13Phe]AGRWGCRLLA